The following is an entry in ClinVar:

NM_153252.5(BRWD3):c.4526A>G (p.Tyr1509Cys)

Gene: BRWD3 (bromodomain and WD repeat domain containing 3; minus strand). Cytogenetic location: Xq21.1.
Variant type: single nucleotide variant.
Coding change: c.4526A>G on transcript NM_153252.5 (MANE Select); coding-DNA position 4526, A replaced by G.
Protein change: p.Tyr1509Cys; replaces tyrosine 1509 with cysteine.
Molecular consequence: missense variant.
Genome position (GRCh38, 1-based): chrX:80,681,469, T>C on the plus strand (A>G on the coding strand, the complement: BRWD3 is on the minus strand). VCF-style: chrX-80681469-T-C. GRCh37 (hg19) VCF-style: chrX-79936968-T-C.
Other names: short protein forms Y1509C.
Identifiers: ClinVar variation 3664981 (VCV003664981.2).

ClinVar aggregate classification (germline): Uncertain significance (1 of 4 stars; one submission).

Submission:

Labcorp Genetics (formerly Invitae), Labcorp
Classification: Uncertain significance. Last evaluated: 2024-11-25. Review status: criteria provided, single submitter. Criteria: Invitae Variant Classification Sherloc (09022015). Collection method: clinical testing. Allele origin: germline.
Comment: This sequence change replaces tyrosine, which is neutral and polar, with cysteine, which is neutral and slightly polar, at codon 1509 of the BRWD3 protein (p.Tyr1509Cys). This variant is present in population databases (no rsID available, gnomAD 0.001%). This variant has not been reported in the literature in individuals affected with BRWD3-related conditions. Invitae Evidence Modeling of protein sequence and biophysical properties (such as structural, functional, and spatial information, amino acid conservation, physicochemical variation, residue mobility, and thermodynamic stability) indicates that this missense variant is not expected to disrupt BRWD3 protein function with a negative predictive value of 80%. In summary, the available evidence is currently insufficient to determine the role of this variant in disease. Therefore, it has been classified as a Variant of Uncertain Significance.